The following is an entry in ClinVar:

ClinVar aggregate classification (germline): Likely benign. Review status: criteria provided, single submitter (1 of 4 stars). 2 submissions from 2 submitters: Likely benign (1). 1 of the submissions does not count toward it. Last evaluated 2019-01-09.

Conditions:
TAP2-related disorder. Also called: TAP2-related condition.

Submissions (2):

Labcorp Genetics (formerly Invitae), Labcorp
Classification: Likely benign. Last evaluated: 2019-01-09. Review status: criteria provided, single submitter. Criteria: Invitae Variant Classification Sherloc (09022015). Collection method: clinical testing. Allele origin: germline.

PreventionGenetics, part of Exact Sciences
Classification: Likely benign for TAP2-related condition. Last evaluated: 2023-07-18. Review status: no assertion criteria provided. Collection method: clinical testing. Allele origin: germline. Not counted in ClinVar's aggregate classification.
Comment: This variant is classified as likely benign based on ACMG/AMP sequence variant interpretation guidelines (Richards et al. 2015 PMID: 25741868, with internal and published modifications).

NM_001290043.2(TAP2):c.294T>G (p.Pro98=)

Gene: TAP2 (transporter 2, ATP binding cassette subfamily B member; minus strand). Cytogenetic location: 6p21.32.
Variant type: single nucleotide variant.
Coding change: c.294T>G on transcript NM_001290043.2 (MANE Select); coding-DNA position 294, T replaced by G.
Protein change: p.Pro98=; no amino-acid change (proline 98 retained).
Molecular consequence: synonymous variant.
Genome position (GRCh38, 1-based): chr6:32,837,940, A>C on the plus strand (T>G on the coding strand, the complement: TAP2 is on the minus strand). VCF-style: chr6-32837940-A-C. GRCh37 (hg19) VCF-style: chr6-32805717-A-C.
Other names: c.294T>G, p.Pro98= (NM_000544.3, NM_018833.3).
Identifiers: ClinVar variation 737741 (VCV000737741.5), dbSNP rs1582592668, ClinGen allele CA449832681.